The following is an entry in ClinVar:

NM_020937.4(FANCM):c.3968C>A (p.Pro1323His)

Gene: FANCM (FA complementation group M; plus strand). Cytogenetic location: 14q21.2.
Variant type: single nucleotide variant.
Coding change: c.3968C>A on transcript NM_020937.4 (MANE Select); coding-DNA position 3968, C replaced by A.
Protein change: p.Pro1323His; replaces proline 1323 with histidine.
Molecular consequence: missense variant.
Genome position (GRCh38, 1-based): chr14:45,176,722, C>A. VCF-style: chr14-45176722-C-A. GRCh37 (hg19) VCF-style: chr14-45645925-C-A.
Other names: c.3890C>A, p.Pro1297His (NM_001308133.2); short protein forms P1297H, P1323H.
Identifiers: ClinVar variation 2730589 (VCV002730589.4), dbSNP rs1369746830, ClinGen allele CA389603772.
Genomic context (GRCh38, chr14:45,176,722, plus strand): 5'-AGAATCCAAATTATGTACATTTGCCACTGAGTGCAGCAAAAAATGAAGAATTGTTATCTC[C>A]TGGTTATTCTCAGTTTTCTTTACCAGTGCAAAAAAAAGTTATGAGTACACCACTCTCTAA-3'
Protein context (NP_065988.1, residues 1313-1333): SAAKNEELLS[Pro1323His]GYSQFSLPVQ

ClinVar aggregate classification (germline): Uncertain significance. Review status: criteria provided, multiple submitters, no conflicts (2 of 4 stars). 2 submissions from 2 submitters: Uncertain significance (2). Last evaluated 2025-07-04.

Conditions:
Inborn genetic diseases. Identifiers: MedGen C0950123, MeSH D030342.
Fanconi anemia (FA). Also called: Fanconi's anemia. Identifiers: Orphanet 84, MedGen C0015625, MeSH D005199, MONDO:0019391.

Submissions (2):

Ambry Genetics
Classification: Uncertain significance for Inborn genetic diseases. Last evaluated: 2025-07-04. Review status: criteria provided, single submitter. Criteria: Ambry Variant Classification Scheme 2023. Collection method: clinical testing. Allele origin: germline.
Comment: The p.P1323H variant (also known as c.3968C>A), located in coding exon 14 of the FANCM gene, results from a C to A substitution at nucleotide position 3968. The proline at codon 1323 is replaced by histidine, an amino acid with similar properties. This amino acid position is conserved. In addition, this alteration is predicted to be tolerated by in silico analysis. Based on the available evidence, the clinical significance of this variant remains unclear.

Labcorp Genetics (formerly Invitae), Labcorp
Classification: Uncertain significance for Fanconi anemia. Last evaluated: 2023-11-01. Review status: criteria provided, single submitter. Criteria: Invitae Variant Classification Sherloc (09022015). Collection method: clinical testing. Allele origin: germline.
Comment: This sequence change replaces proline, which is neutral and non-polar, with histidine, which is basic and polar, at codon 1323 of the FANCM protein (p.Pro1323His). This variant is not present in population databases (gnomAD no frequency). This variant has not been reported in the literature in individuals affected with FANCM-related conditions. An algorithm developed to predict the effect of missense changes on protein structure and function (PolyPhen-2) suggests that this variant is likely to be disruptive. In summary, the available evidence is currently insufficient to determine the role of this variant in disease. Therefore, it has been classified as a Variant of Uncertain Significance.